The following is an entry in ClinVar:

ClinVar aggregate classification (germline): Conflicting classifications of pathogenicity. Review status: criteria provided, conflicting classifications (1 of 4 stars). 10 submissions from 10 submitters: Uncertain significance (2); Benign (3); Likely benign (3). 2 of the submissions do not count toward it. Last evaluated 2026-02-04.

Conditions:
Alport syndrome. Also called: Hemorrhagic familial nephritis; Hemorrhagic hereditary nephritis; Congenital hereditary hematuria. Identifiers: Orphanet 63, MedGen C1567741, MONDO:0018965.
Thrombocytopenia. Identifiers: MedGen C0040034, MeSH D013921, MONDO:0002049, HP:0001873.
Hypertensive disorder. Also called: Hypertension. Identifiers: MedGen C0020538, MONDO:0005044, HP:0000822.
Stage 5 chronic kidney disease. Also called: End-stage renal disease; end stage renal failure. Identifiers: MedGen C2316810, MONDO:0004375, HP:0003774.
Hyperkalemia. Identifiers: MedGen C0020461, HP:0002153.

Allele frequency attached by ClinVar (database versions not stated): 1000 Genomes Project 30x 0.00094; 1000 Genomes Project 0.00100; ExAC 0.00189; gnomAD exomes 0.00189 and 0.00295; TOPMed 0.00193; gnomAD 0.00215 and 0.00228; ESP Exome Variant Server 0.00307.
gnomAD v4.1: 4,646 of 1,601,212 alleles (0.29%); highest among the groups gnomAD compares: Non-Finnish European, 0.35%; 12 homozygotes.

Submissions (10):

Labcorp Genetics (formerly Invitae), Labcorp
Classification: Benign. Last evaluated: 2026-02-04. Review status: criteria provided, single submitter. Criteria: Invitae Variant Classification Sherloc (09022015). Collection method: clinical testing. Allele origin: germline.

Women's Health and Genetics/Laboratory Corporation of America, LabCorp
Classification: Benign. Last evaluated: 2025-10-21. Review status: criteria provided, single submitter. Criteria: LabCorp Variant Classification Summary - May 2015. Collection method: clinical testing. Allele origin: germline.

Blueprint Genetics
Classification: Likely benign. Last evaluated: 2024-11-26. Review status: criteria provided, single submitter. Criteria: ACMG Guidelines, 2015. Collection method: clinical testing. Allele origin: germline.

GeneDx
Classification: Likely benign. Last evaluated: 2020-01-12. Review status: criteria provided, single submitter. Criteria: GeneDx Variant Classification Process June 2021. Collection method: clinical testing. Allele origin: germline. Affected: yes.

Laboratory for Molecular Medicine, Mass General Brigham Personalized Medicine
Classification: Likely benign. Last evaluated: 2018-02-20. Review status: criteria provided, single submitter. Criteria: LMM Criteria. Collection method: clinical testing. Allele origin: germline. Observed: 1 variant allele.
Comment: c.4217-15T>C in intron 44 of COL4A4: This variant is not expected to have clinic al significance because it does not alter an amino acid residue and is not locat ed within the splice consensus sequence. It has been identified in 0.28% (187/66 560) of European chromosomes by the Exome Aggregation Consortium (ExAC; dbSNP rs200926310).

Illumina Laboratory Services, Illumina
Classification: Uncertain significance for Alport syndrome. Last evaluated: 2018-01-13. Review status: criteria provided, single submitter. Criteria: ICSL Variant Classification Criteria 13 December 2019. Collection method: clinical testing. Allele origin: germline.

Centre for Mendelian Genomics, University Medical Centre Ljubljana
Classification: Uncertain significance for Hyperkalemia; Hypertensive disorder; Stage 5 chronic kidney disease; Thrombocytopenia. Last evaluated: 2015-06-16. Review status: criteria provided, single submitter. Criteria: ACMG Guidelines, 2015. Collection method: clinical testing. Allele origin: unknown. Affected: yes.

PreventionGenetics, part of Exact Sciences
Classification: Benign. Review status: criteria provided, single submitter. Criteria: ACMG Guidelines, 2015. Collection method: clinical testing. Allele origin: germline.

Genome Diagnostics Laboratory, University Medical Center Utrecht
Classification: Likely benign. Review status: no assertion criteria provided. Collection method: clinical testing. Allele origin: germline. Affected: yes. Study: VKGL Data-share Consensus. Not counted in ClinVar's aggregate classification.

Joint Genome Diagnostic Labs from Nijmegen and Maastricht, Radboudumc and MUMC+
Classification: Likely benign. Review status: no assertion criteria provided. Collection method: clinical testing. Allele origin: germline. Affected: yes. Study: VKGL Data-share Consensus. Not counted in ClinVar's aggregate classification.

NM_000092.5(COL4A4):c.4217-15T>C

Gene: COL4A4 (collagen type IV alpha 4 chain; minus strand). Cytogenetic location: 2q36.3.
Variant type: single nucleotide variant.
Coding change: c.4217-15T>C on transcript NM_000092.5 (MANE Select); 15 bases into the intron before coding-DNA position 4217, T replaced by C.
Molecular consequence: intron variant.
Genome position (GRCh38, 1-based): chr2:227,012,312, A>G on the plus strand (T>C on the coding strand, the complement: COL4A4 is on the minus strand). VCF-style: chr2-227012312-A-G. GRCh37 (hg19) VCF-style: chr2-227877028-A-G.
Identifiers: ClinVar variation 255039 (VCV000255039.26), dbSNP rs200926310, ClinGen allele CA2144233.
Genomic context (GRCh38, chr2:227,012,312, plus strand): 5'-CCATCCACACCCCTCCTGCCATCCAGCCCAGGCTCTCCTTTGCACCCTGCACAAAAGTTT[A>G]TGATGCTGGTGGTGAAAGCAACCATGACACCTGCTAGCATTTACCGTGCTTATACCGTAT-3'